The following is an entry in ClinVar:

ClinVar aggregate classification (germline): Uncertain significance (1 of 4 stars; one submission).

Conditions:
CREBBP-related disorder. Also called: CREBBP-related condition; CREBBP-related disorders.

Allele frequency attached by ClinVar (database versions not stated): TOPMed below 0.00001; gnomAD 0.00001.
gnomAD v4.1: 5 of 1,613,700 alleles (0.00031%); highest among the groups gnomAD compares: Non-Finnish European, 0.00042%; no homozygotes.

Submission:

PreventionGenetics, part of Exact Sciences
Classification: Uncertain significance for CREBBP-related condition. Last evaluated: 2026-09-16. Review status: criteria provided, single submitter. Criteria: ACMG Guidelines, 2015. Collection method: clinical testing. Allele origin: germline.
Comment: The CREBBP c.2838G>T variant is predicted to result in the amino acid substitution p.Gln946His. To our knowledge, this variant has not been reported in the literature. This variant is reported in 0.0018% of alleles in individuals of European (Non-Finnish) descent in gnomAD. At this time, the clinical significance of this variant is uncertain due to the absence of conclusive functional and genetic evidence.

NM_004380.3(CREBBP):c.2838G>T (p.Gln946His)

Gene: CREBBP (CREB binding lysine acetyltransferase; minus strand). Cytogenetic location: 16p13.3.
Variant type: single nucleotide variant.
Coding change: c.2838G>T on transcript NM_004380.3 (MANE Select); coding-DNA position 2838, G replaced by T.
Protein change: p.Gln946His; replaces glutamine 946 with histidine.
Molecular consequence: missense variant.
Genome position (GRCh38, 1-based): chr16:3,770,612, C>A on the plus strand (G>T on the coding strand, the complement: CREBBP is on the minus strand). VCF-style: chr16-3770612-C-A. GRCh37 (hg19) VCF-style: chr16-3820613-C-A.
Other names: c.2724G>T, p.Gln908His (NM_001079846.1); short protein forms Q908H, Q946H.
Identifiers: ClinVar variation 2635923 (VCV002635923.2), dbSNP rs1297657584, ClinGen allele CA394550034.